The following is an entry in ClinVar:

ClinVar aggregate classification (germline): Conflicting classifications of pathogenicity. Review status: criteria provided, conflicting classifications (1 of 4 stars). 4 submissions from 4 submitters: Uncertain significance (3); Benign (1). Last evaluated 2026-06-24.

Conditions:
ZNF469-related disorder. Also called: ZNF469-related condition.
Cardiovascular phenotype. Identifiers: MedGen CN230736.

Allele frequency attached by ClinVar (database versions not stated): TOPMed 0.00003; gnomAD 0.00005; ExAC 0.00038.
gnomAD v4.1: 63 of 1,550,382 alleles (0.0041%); highest among the groups gnomAD compares: Middle Eastern, 0.1%; no homozygotes.

Submissions (4):

PreventionGenetics, part of Exact Sciences
Classification: Uncertain significance for ZNF469-related condition. Last evaluated: 2026-06-24. Review status: criteria provided, single submitter. Criteria: ACMG Guidelines, 2015. Collection method: clinical testing. Allele origin: germline.
Comment: The ZNF469 c.6655G>T variant is predicted to result in the amino acid substitution p.Asp2219Tyr. To our knowledge, this variant has not been reported in the literature. This variant is reported in 0.040% of alleles in individuals of South Asian descent in gnomAD. At this time, the clinical significance of this variant is uncertain due to the absence of conclusive functional and genetic evidence.

Ambry Genetics
Classification: Benign for Cardiovascular phenotype. Last evaluated: 2024-08-08. Review status: criteria provided, single submitter. Criteria: Ambry Variant Classification Scheme 2023. Collection method: clinical testing. Allele origin: germline.

Blueprint Genetics
Classification: Uncertain significance. Last evaluated: 2023-12-15. Review status: criteria provided, single submitter. Criteria: ACMG Guidelines, 2015. Collection method: clinical testing. Allele origin: germline.

Labcorp Genetics (formerly Invitae), Labcorp
Classification: Uncertain significance. Last evaluated: 2023-11-12. Review status: criteria provided, single submitter. Criteria: Invitae Variant Classification Sherloc (09022015). Collection method: clinical testing. Allele origin: germline.
Comment: This sequence change replaces aspartic acid, which is acidic and polar, with tyrosine, which is neutral and polar, at codon 2219 of the ZNF469 protein (p.Asp2219Tyr). This variant is present in population databases (rs371739743, gnomAD 0.04%). This variant has not been reported in the literature in individuals affected with ZNF469-related conditions. An algorithm developed to predict the effect of missense changes on protein structure and function (PolyPhen-2) suggests that this variant is likely to be disruptive. In summary, the available evidence is currently insufficient to determine the role of this variant in disease. Therefore, it has been classified as a Variant of Uncertain Significance.

NM_001367624.2(ZNF469):c.6739G>T (p.Asp2247Tyr)

Gene: ZNF469 (zinc finger protein 469; plus strand). Cytogenetic location: 16q24.2.
Variant type: single nucleotide variant.
Coding change: c.6739G>T on transcript NM_001367624.2 (MANE Select); coding-DNA position 6739, G replaced by T.
Protein change: p.Asp2247Tyr; replaces aspartic acid 2247 with tyrosine.
Molecular consequence: missense variant.
Genome position (GRCh38, 1-based): chr16:88,434,209, G>T. VCF-style: chr16-88434209-G-T. GRCh37 (hg19) VCF-style: chr16-88500617-G-T.
Other names: NM_001127464.1:c.6655G>T; NM_001127464.2:c.6655G>T; short protein forms D2247Y.
Identifiers: ClinVar variation 2971324 (VCV002971324.4), dbSNP rs371739743, ClinGen allele CA8225176.